The following is an entry in ClinVar:

NM_001009944.3(PKD1):c.127C>G (p.Pro43Ala)

Gene: PKD1 (polycystin 1, transient receptor potential channel interacting; minus strand). Cytogenetic location: 16p13.3.
Variant type: single nucleotide variant.
Coding change: c.127C>G on transcript NM_001009944.3 (MANE Select); coding-DNA position 127, C replaced by G.
Protein change: p.Pro43Ala; replaces proline 43 with alanine.
Molecular consequence: missense variant.
Genome position (GRCh38, 1-based): chr16:2,135,563, G>C on the plus strand (C>G on the coding strand, the complement: PKD1 is on the minus strand). VCF-style: chr16-2135563-G-C. GRCh37 (hg19) VCF-style: chr16-2185564-G-C.
Other names: c.127C>G, p.Pro43Ala (NM_000296.4); short protein forms P43A.
Identifiers: ClinVar variation 427740 (VCV000427740.5), dbSNP rs1114167365, ClinGen allele CA394282577.

ClinVar aggregate classification (germline): Conflicting classifications of pathogenicity; other. Review status: criteria provided, conflicting classifications (1 of 4 stars). 4 submissions from 4 submitters: Uncertain significance (1); Likely benign (1). 1 of the submissions does not count toward it. Last evaluated 2026-06-11.

Conditions:
PKD1-related disorder. Also called: PKD1-related condition.
Polycystic kidney disease, adult type (PKD1). Also called: POLYCYSTIC KIDNEY DISEASE 1 WITH OR WITHOUT POLYCYSTIC LIVER DISEASE; POLYCYSTIC KIDNEY DISEASE, ADULT, TYPE I; Polycystic Kidney Disease 1, Autosomal Dominant; Polycystic kidney disease 1; Polycystic kidney disease 1, severe; Polycystic Kidney, Autosomal Dominant. Identifiers: MedGen C3149841, MONDO:0008263, OMIM 173900.

Allele frequency attached by ClinVar (database versions not stated): gnomAD 0.00002 and 0.00003; gnomAD exomes 0.00003; TOPMed 0.00003.
gnomAD v4.1: 44 of 1,111,694 alleles (0.004%); highest among the groups gnomAD compares: South Asian, 0.0086%; 1 homozygote.

Submissions (4):

PreventionGenetics, part of Exact Sciences
Classification: Uncertain significance for PKD1-related condition. Last evaluated: 2026-06-11. Review status: criteria provided, single submitter. Criteria: ACMG Guidelines, 2015. Collection method: clinical testing. Allele origin: germline.
Comment: The PKD1 c.127C>G variant is predicted to result in the amino acid substitution p.Pro43Ala. This variant has been reported along with a PKD1 frameshift variant in an individual with polycystic kidney disease (Supplemental data, Domingo-Gallego et al. 2022. PubMed ID: 33532864). This variant is reported in 0.029% of alleles in individuals of European (Non-Finnish) descent in gnomAD. Although we suspect that this variant may be benign, at this time, the clinical significance of this variant is uncertain due to the absence of conclusive functional and genetic evidence.

Blueprint Genetics
Classification: Likely benign. Last evaluated: 2024-11-22. Review status: criteria provided, single submitter. Criteria: ACMG Guidelines, 2015. Collection method: clinical testing. Allele origin: germline.

Molecular Biology Laboratory, Fundació Puigvert
Classification: other for Polycystic kidney disease, adult type. Last evaluated: 2020-02-01. Review status: criteria provided, single submitter. Criteria: ACMG Guidelines, 2015. Collection method: research. Allele origin: paternal. Affected: yes. Study: KidneyPanel_2020.

Institute of Human Genetics, Cologne University
Classification: Uncertain significance for Polycystic kidney disease, adult type. Review status: no assertion criteria provided. Collection method: clinical testing. Allele origin: unknown. Inheritance: Autosomal dominant inheritance. Affected: yes. Observed: 1 variant allele, 1 heterozygote. Not counted in ClinVar's aggregate classification.

Literature cited by the submitters: PubMed 33532864 (cited by Molecular Biology Laboratory, Fundació Puigvert).